The following is an entry in ClinVar:

ClinVar aggregate classification (germline): Conflicting classifications of pathogenicity. Review status: criteria provided, conflicting classifications (1 of 4 stars). 9 submissions from 8 submitters: Uncertain significance (2); Benign (2); Likely benign (3). 2 of the submissions do not count toward it. Last evaluated 2026-02-02.

Conditions:
Autosomal recessive nonsyndromic hearing loss 12. Also called: DEAFNESS, AUTOSOMAL RECESSIVE 12. Identifiers: Orphanet 90636, MedGen C1832394, MONDO:0011067, OMIM 601386.
Usher syndrome type 1 (USH1). Also called: RETINITIS PIGMENTOSA AND CONGENITAL DEAFNESS. Identifiers: Orphanet 231169, Orphanet 886, MedGen C1568247, MONDO:0010168, OMIM 276900.
Usher syndrome type 1D (USH1D). Also called: USHER SYNDROME, TYPE ID. Identifiers: Orphanet 231169, Orphanet 886, MedGen C1832845, MONDO:0010984, OMIM 601067.
CDH23-related disorder. Also called: CDH23-related condition; CDH23-related disorders.

Allele frequency attached by ClinVar (database versions not stated): 1000 Genomes Project 0.00040; gnomAD exomes 0.00040; ExAC 0.00050; 1000 Genomes Project 30x 0.00062; ESP Exome Variant Server 0.00159; gnomAD 0.00163 and 0.00185; TOPMed 0.00193.
gnomAD v4.1: 517 of 1,591,606 alleles (0.032%); highest among the groups gnomAD compares: African/African-American, 0.51%; 1 homozygote.

Submissions (9):

Labcorp Genetics (formerly Invitae), Labcorp
Classification: Benign. Last evaluated: 2026-02-02. Review status: criteria provided, single submitter. Criteria: Invitae Variant Classification Sherloc (09022015). Collection method: clinical testing. Allele origin: germline.

Blueprint Genetics
Classification: Likely benign. Last evaluated: 2024-10-15. Review status: criteria provided, single submitter. Criteria: ACMG Guidelines, 2015. Collection method: clinical testing. Allele origin: germline.

GeneDx
Classification: Likely benign. Last evaluated: 2020-03-24. Review status: criteria provided, single submitter. Criteria: GeneDx Variant Classification Process June 2021. Collection method: clinical testing. Allele origin: germline. Affected: yes.
Comment: This variant is associated with the following publications: (PMID: 28912962)

Illumina Laboratory Services, Illumina
Classification: Uncertain significance for Usher syndrome type 1D. Last evaluated: 2018-01-12. Review status: criteria provided, single submitter. Criteria: ICSL Variant Classification Criteria 13 December 2019. Collection method: clinical testing. Allele origin: germline.

Illumina Laboratory Services, Illumina
Classification: Uncertain significance for Autosomal recessive nonsyndromic hearing loss 12. Last evaluated: 2018-01-12. Review status: criteria provided, single submitter. Criteria: ICSL Variant Classification Criteria 13 December 2019. Collection method: clinical testing. Allele origin: germline.

Eurofins Ntd Llc (ga)
Classification: Benign. Last evaluated: 2016-04-07. Review status: criteria provided, single submitter. Criteria: EGL Classification Definitions 2015. Collection method: clinical testing. Allele origin: germline. Observed: 1 variant allele, 1 heterozygote.

Laboratory for Molecular Medicine, Mass General Brigham Personalized Medicine
Classification: Likely benign. Last evaluated: 2013-06-25. Review status: criteria provided, single submitter. Criteria: LMM Criteria. Collection method: clinical testing. Allele origin: germline. Observed: 1 variant allele.
Comment: Asp3342Asp in Exon 70 of CDH23: This variant is not expected to have clinical si gnificance because it does not alter an amino acid residue, is not located withi n the splice consensus sequence, and has been identified in 0.4% (18/4172) of Af rican American chromosomes from a broad population by the NHLBI Exome Sequencing Project.

PreventionGenetics, part of Exact Sciences
Classification: Benign for CDH23-related condition. Last evaluated: 2020-03-16. Review status: no assertion criteria provided. Collection method: clinical testing. Allele origin: germline. Not counted in ClinVar's aggregate classification.
Comment: This variant is classified as benign based on ACMG/AMP sequence variant interpretation guidelines (Richards et al. 2015 PMID: 25741868, with internal and published modifications).

Natera, Inc.
Classification: Likely benign for Usher syndrome type 1. Last evaluated: 2019-10-23. Review status: no assertion criteria provided. Collection method: clinical testing. Allele origin: germline. Not counted in ClinVar's aggregate classification.

NM_022124.6(CDH23):c.10026C>T (p.Asp3342=)

Gene: CDH23 (cadherin related 23; plus strand). Cytogenetic location: 10q22.1.
Variant type: single nucleotide variant.
Coding change: c.10026C>T on transcript NM_022124.6 (MANE Select); coding-DNA position 10026, C replaced by T.
Protein change: p.Asp3342=; no amino-acid change (aspartic acid 3342 retained).
Molecular consequence: synonymous variant.
Genome position (GRCh38, 1-based): chr10:71,815,239, C>T. VCF-style: chr10-71815239-C-T. GRCh37 (hg19) VCF-style: chr10-73574996-C-T.
Other names: c.3306C>T, p.Asp1102= (NM_001171933.1); c.3201C>T, p.Asp1067= (NM_001171934.1); c.717C>T, p.Asp239= (NM_001171935.1); c.612C>T, p.Asp204= (NM_001171936.1).
Identifiers: ClinVar variation 178317 (VCV000178317.27), dbSNP rs377118941, ClinGen allele CA182096.
Genomic context (GRCh38, chr10:71,815,239, plus strand): 5'-CTTCGAGCGCAACGCCCGCACAGAATCCGCCAAATCCACACCCCTGCACAAACTTCGCGA[C>T]GTGATCATGGAGACCCCCCTGGAGATCACAGAGCTGTGACTAGACAGGGAAGCCTTGTGG-3'
Protein context (NP_071407.4, residues 3332-3352): AKSTPLHKLR[Asp3342=]VIMETPLEIT